The following is an entry in ClinVar:

ClinVar aggregate classification (germline): Uncertain significance (1 of 4 stars; one submission).

Submission:

Labcorp Genetics (formerly Invitae), Labcorp
Classification: Uncertain significance. Last evaluated: 2023-11-29. Review status: criteria provided, single submitter. Criteria: Invitae Variant Classification Sherloc (09022015). Collection method: clinical testing. Allele origin: germline.
Comment: This sequence change replaces alanine, which is neutral and non-polar, with glycine, which is neutral and non-polar, at codon 184 of the PRDM13 protein (p.Ala184Gly). This variant is not present in population databases (gnomAD no frequency). This variant has not been reported in the literature in individuals affected with PRDM13-related conditions. An algorithm developed to predict the effect of missense changes on protein structure and function (PolyPhen-2) suggests that this variant is likely to be tolerated. In summary, the available evidence is currently insufficient to determine the role of this variant in disease. Therefore, it has been classified as a Variant of Uncertain Significance.

NM_021620.4(PRDM13):c.551C>G (p.Ala184Gly)

Gene: PRDM13 (PR/SET domain 13; plus strand). Cytogenetic location: 6q16.2.
Variant type: single nucleotide variant.
Coding change: c.551C>G on transcript NM_021620.4 (MANE Select); coding-DNA position 551, C replaced by G.
Protein change: p.Ala184Gly; replaces alanine 184 with glycine.
Molecular consequence: missense variant.
Genome position (GRCh38, 1-based): chr6:99,613,186, C>G. VCF-style: chr6-99613186-C-G. GRCh37 (hg19) VCF-style: chr6-100061062-C-G.
Other names: short protein forms A184G.
Identifiers: ClinVar variation 2733120 (VCV002733120.3), dbSNP rs2114499652, ClinGen allele CA365115602.
Genomic context (GRCh38, chr6:99,613,186, plus strand): 5'-GCGGTGGAGGCGGCGCCTTCCTGCACCACGAACACGCGGCTCGCCAAGGCGCCGTCCCAG[C>G]GGCTGATGGCCTCGGTCTCTCCCCAAAACCCCCGGCGCCCGATTTCGCCGCGCCTTCCCA-3'
Protein context (NP_067633.2, residues 174-194): EHAARQGAVP[Ala184Gly]ADGLGLSPKP